The following is an entry in ClinVar:

NM_001080449.3(DNA2):c.257+3A>G

Gene: DNA2 (DNA replication helicase/nuclease 2; minus strand). Cytogenetic location: 10q21.3.
Variant type: single nucleotide variant.
Coding change: c.257+3A>G on transcript NM_001080449.3 (MANE Select); 3 bases into the intron after coding-DNA position 257, A replaced by G.
Molecular consequence: intron variant.
Genome position (GRCh38, 1-based): chr10:68,469,978, T>C on the plus strand (A>G on the coding strand, the complement: DNA2 is on the minus strand). VCF-style: chr10-68469978-T-C. GRCh37 (hg19) VCF-style: chr10-70229735-T-C.
Identifiers: ClinVar variation 1955255 (VCV001955255.6), dbSNP rs769915358, ClinGen allele CA5525348.

ClinVar aggregate classification (germline): Uncertain significance. Review status: criteria provided, multiple submitters, no conflicts (2 of 4 stars). 2 submissions from 2 submitters: Uncertain significance (2). Last evaluated 2025-11-11.

Allele frequency attached by ClinVar (database versions not stated): ExAC 0.00001; gnomAD 0.00001; TOPMed 0.00001; gnomAD exomes 0.00005.
gnomAD v4.1: 71 of 1,593,478 alleles (0.0045%); highest among the groups gnomAD compares: Non-Finnish European, 0.0057%; no homozygotes.

Submissions (2):

Labcorp Genetics (formerly Invitae), Labcorp
Classification: Uncertain significance. Last evaluated: 2025-11-11. Review status: criteria provided, single submitter. Criteria: Invitae Variant Classification Sherloc (09022015). Collection method: clinical testing. Allele origin: germline.
Comment: This sequence change falls in intron 2 of the DNA2 gene. It does not directly change the encoded amino acid sequence of the DNA2 protein. It affects a nucleotide within the consensus splice site. This variant is present in population databases (rs769915358, gnomAD 0.002%). This variant has not been reported in the literature in individuals affected with DNA2-related conditions. ClinVar contains an entry for this variant (Variation ID: 1955255). Variants that disrupt the consensus splice site are a relatively common cause of aberrant splicing (PMID: 17576681, 9536098). Algorithms developed to predict the effect of sequence changes on RNA splicing suggest that this variant may disrupt the consensus splice site. In summary, the available evidence is currently insufficient to determine the role of this variant in disease. Therefore, it has been classified as a Variant of Uncertain Significance.

GeneDx
Classification: Uncertain significance. Last evaluated: 2024-03-04. Review status: criteria provided, single submitter. Criteria: GeneDx Variant Classification Process June 2021. Collection method: clinical testing. Allele origin: germline. Affected: yes.
Comment: Has not been previously published as pathogenic or benign to our knowledge; Not observed at significant frequency in large population cohorts (gnomAD); In silico analysis supports a deleterious effect on splicing

Literature cited by the submitters: PubMed 17576681 (cited by Labcorp Genetics (formerly Invitae), Labcorp); PubMed 9536098 (cited by Labcorp Genetics (formerly Invitae), Labcorp).